The following is an entry in ClinVar:

NM_001278293.3(ARL6):c.350-9C>T

Gene: ARL6 (ARF like GTPase 6; plus strand). Cytogenetic location: 3q11.2.
Variant type: single nucleotide variant.
Coding change: c.350-9C>T on transcript NM_001278293.3 (MANE Select); 9 bases into the intron before coding-DNA position 350, C replaced by T.
Molecular consequence: intron variant.
Genome position (GRCh38, 1-based): chr3:97,787,981, C>T. VCF-style: chr3-97787981-C-T. GRCh37 (hg19) VCF-style: chr3-97506825-C-T.
Other names: c.350-9C>T (NM_032146.5, NM_177976.3, NM_001323513.2 and 1 more transcripts).
Identifiers: ClinVar variation 2940374 (VCV002940374.4), dbSNP rs2529972705, ClinGen allele CA2740094539.
Genomic context (GRCh38, chr3:97,787,981, plus strand): 5'-TACTAAAGATTTGCTGCAAAATGACCTAAAAAGCTGGAAGTGTGATGATAATCTTATTTT[C>T]TCTTTTAGATATTAAACACCGTCGAATTCCAATCTTATTCTTTGCAAATAAAATGGATCT-3'

ClinVar aggregate classification (germline): Likely benign. Review status: criteria provided, multiple submitters, no conflicts (2 of 4 stars). 2 submissions from 2 submitters: Likely benign (2). Last evaluated 2024-11-18.

Conditions:
Bardet-Biedl syndrome 3 (BBS3). Identifiers: Orphanet 110, MedGen C1859564, MONDO:0010832, OMIM 600151.
Retinitis pigmentosa 55 (RP55). Identifiers: Orphanet 791, MedGen C3150808, MONDO:0013312, OMIM 613575.
ARL6-related disorder. Also called: ARL6-related condition.

Submissions (2):

PreventionGenetics, part of Exact Sciences
Classification: Likely benign for ARL6-related condition. Last evaluated: 2024-11-18. Review status: criteria provided, single submitter. Criteria: ACMG Guidelines, 2015. Collection method: clinical testing. Allele origin: germline.
Comment: This variant is classified as likely benign based on ACMG/AMP sequence variant interpretation guidelines (Richards et al. 2015 PMID: 25741868, with internal and published modifications).

Labcorp Genetics (formerly Invitae), Labcorp
Classification: Likely benign for Retinitis pigmentosa 55; Bardet-Biedl syndrome 3. Last evaluated: 2023-07-11. Review status: criteria provided, single submitter. Criteria: Invitae Variant Classification Sherloc (09022015). Collection method: clinical testing. Allele origin: germline.